The following is an entry in ClinVar:

NM_001144967.3(NEDD4L):c.613A>G (p.Asn205Asp)

Gene: NEDD4L (NEDD4 like E3 ubiquitin protein ligase; plus strand). Cytogenetic location: 18q21.31.
Variant type: single nucleotide variant.
Coding change: c.613A>G on transcript NM_001144967.3 (MANE Select); coding-DNA position 613, A replaced by G.
Protein change: p.Asn205Asp; replaces asparagine 205 with aspartic acid.
Molecular consequence: missense variant.
Genome position (GRCh38, 1-based): chr18:58,325,095, A>G. VCF-style: chr18-58325095-A-G. GRCh37 (hg19) VCF-style: chr18-55992327-A-G.
Other names: c.250A>G, p.Asn84Asp (NM_001144964.1, NM_001144965.2, NM_001144966.3 and 2 more transcripts); c.589A>G, p.Asn197Asp (NM_001144968.2, NM_001144969.2); c.613A>G, p.Asn205Asp (NM_001243960.2, NM_015277.6); short protein forms N197D, N84D, N205D.
Identifiers: ClinVar variation 1464349 (VCV001464349.8), dbSNP rs2144408422, ClinGen allele CA402552723.
Genomic context (GRCh38, chr18:58,325,095, plus strand): 5'-CAGCACCAAGAGGAACTTCCTCCTCCTCCTCTGCCTCCCGGGTGGGAAGAAAAAGTGGAC[A>G]ATTTAGGCCGAACTTACTATGTCAACCACAACAACCGGACCACTCAGTGGCACAGACCAA-3'
Protein context (NP_001138439.1, residues 195-215): LPPGWEEKVD[Asn205Asp]LGRTYYVNHN

ClinVar aggregate classification (germline): Uncertain significance (1 of 4 stars; one submission).

Submission:

Labcorp Genetics (formerly Invitae), Labcorp
Classification: Uncertain significance. Last evaluated: 2021-02-17. Review status: criteria provided, single submitter. Criteria: Invitae Variant Classification Sherloc (09022015). Collection method: clinical testing. Allele origin: germline.
Comment: This variant is not present in population databases (ExAC no frequency). This sequence change replaces asparagine with aspartic acid at codon 205 of the NEDD4L protein (p.Asn205Asp). The asparagine residue is moderately conserved and there is a small physicochemical difference between asparagine and aspartic acid. This variant has not been reported in the literature in individuals with NEDD4L-related conditions. Algorithms developed to predict the effect of missense changes on protein structure and function are either unavailable or do not agree on the potential impact of this missense change (SIFT: "Tolerated"; PolyPhen-2: "Possibly Damaging"; Align-GVGD: "Class C0"). In summary, the available evidence is currently insufficient to determine the role of this variant in disease. Therefore, it has been classified as a Variant of Uncertain Significance.